The following is an entry in ClinVar:

NM_000016.6(ACADM):c.475del (p.Cys159fs)

Gene: ACADM (acyl-CoA dehydrogenase medium chain; plus strand). Cytogenetic location: 1p31.1.
Variant type: Deletion.
Coding change: c.475del on transcript NM_000016.6 (MANE Select); coding-DNA position 475, one base deleted (T; older notation c.475delT).
Protein change: p.Cys159fs; shifts the reading frame from cysteine 159.
Molecular consequence: frameshift variant. On other transcripts: 5 prime UTR variant (1).
Genome position (GRCh38, 1-based): chr1:75,739,986, T deleted; the last of 2 consecutive T bases (chr1:75,739,985-75,739,986); deleting either gives the same sequence. VCF-style (leftmost placement, unchanged base first): chr1-75739984-AT-A. GRCh37 (hg19) VCF-style: chr1-76205669-AT-A.
Other names: c.487del, p.Cys163fs (NM_001127328.3); c.367del, p.Cys123fs (NM_001286042.2); c.574del, p.Cys192fs (NM_001286043.2); c.-93del (NM_001286044.2); short protein forms C123fs, C159fs, C163fs, C192fs.
Identifiers: ClinVar variation 2202773 (VCV002202773.4), dbSNP rs2525608577, ClinGen allele CA2580063232.

ClinVar aggregate classification (germline): Pathogenic (1 of 4 stars; one submission).

Conditions:
Medium-chain acyl-coenzyme A dehydrogenase deficiency (ACADMD). Also called: Medium chain acyl-CoA dehydrogenase deficiency; MCADD; MCAD Deficiency; ACADM DEFICIENCY; CARNITINE DEFICIENCY SECONDARY TO MEDIUM-CHAIN ACYL-CoA DEHYDROGENASE DEFICIENCY; MCADH DEFICIENCY. Identifiers: Orphanet 42, MedGen C0220710, MONDO:0008721, OMIM 201450.

Submission:

Labcorp Genetics (formerly Invitae), Labcorp
Classification: Pathogenic for Medium-chain acyl-coenzyme A dehydrogenase deficiency. Last evaluated: 2022-01-11. Review status: criteria provided, single submitter. Criteria: Invitae Variant Classification Sherloc (09022015). Collection method: clinical testing. Allele origin: germline.
Comment: This sequence change creates a premature translational stop signal (p.Cys159Valfs*2) in the ACADM gene. It is expected to result in an absent or disrupted protein product. Loss-of-function variants in ACADM are known to be pathogenic (PMID: 16121256, 20434380). This variant is not present in population databases (gnomAD no frequency). This premature translational stop signal has been observed in individual(s) with medium-chain acyl-coenzyme A dehydrogenase deficiency (PMID: 9158144). This variant is also known as ∆474. For these reasons, this variant has been classified as Pathogenic.

Literature cited by the submitters: PubMed 16121256; PubMed 20434380; PubMed 9158144.